The following is an entry in ClinVar:

NM_001378120.1(MBD5):c.2738C>T (p.Pro913Leu)

Gene: MBD5 (methyl-CpG binding domain protein 5; plus strand). Cytogenetic location: 2q23.1.
Variant type: single nucleotide variant.
Coding change: c.2738C>T on transcript NM_001378120.1 (MANE Select); coding-DNA position 2738, C replaced by T.
Protein change: p.Pro913Leu; replaces proline 913 with leucine.
Molecular consequence: missense variant.
Genome position (GRCh38, 1-based): chr2:148,483,329, C>T. VCF-style: chr2-148483329-C-T. GRCh37 (hg19) VCF-style: chr2-149240898-C-T.
Other names: c.2738C>T, p.Pro913Leu (NM_018328.5); short protein forms P913L.
Identifiers: ClinVar variation 2117352 (VCV002117352.4), dbSNP rs2469975235, ClinGen allele CA348722596.

ClinVar aggregate classification (germline): Uncertain significance (1 of 4 stars; one submission).

Conditions:
Intellectual developmental disorder, autosomal dominant 1. Also called: Intellectual disability, autosomal dominant 1; MBD5 Haploinsufficiency. Identifiers: Orphanet 228402, MedGen C1969562, MONDO:0007974, OMIM 156200.

Submission:

Labcorp Genetics (formerly Invitae), Labcorp
Classification: Uncertain significance for Intellectual developmental disorder, autosomal dominant 1. Last evaluated: 2023-12-01. Review status: criteria provided, single submitter. Criteria: Invitae Variant Classification Sherloc (09022015). Collection method: clinical testing. Allele origin: germline.
Comment: This sequence change replaces proline, which is neutral and non-polar, with leucine, which is neutral and non-polar, at codon 913 of the MBD5 protein (p.Pro913Leu). This variant is not present in population databases (gnomAD no frequency). This variant has not been reported in the literature in individuals affected with MBD5-related conditions. ClinVar contains an entry for this variant (Variation ID: 2117352). Advanced modeling of protein sequence and biophysical properties (such as structural, functional, and spatial information, amino acid conservation, physicochemical variation, residue mobility, and thermodynamic stability) performed at Invitae indicates that this missense variant is not expected to disrupt MBD5 protein function with a negative predictive value of 80%. In summary, the available evidence is currently insufficient to determine the role of this variant in disease. Therefore, it has been classified as a Variant of Uncertain Significance.